The following is an entry in ClinVar:

NM_058216.3(RAD51C):c.744T>G (p.Phe248Leu)

Gene: RAD51C (RAD51 paralog C; plus strand). Cytogenetic location: 17q22.
Variant type: single nucleotide variant.
Coding change: c.744T>G on transcript NM_058216.3 (MANE Select); coding-DNA position 744, T replaced by G.
Protein change: p.Phe248Leu; replaces phenylalanine 248 with leucine.
Molecular consequence: missense variant. On other transcripts: non-coding transcript variant (1).
Genome position (GRCh38, 1-based): chr17:58,709,897, T>G. VCF-style: chr17-58709897-T-G. GRCh37 (hg19) VCF-style: chr17-56787258-T-G.
Other names: c.*172T>G (NM_058217.1); short protein forms F248L.
Identifiers: ClinVar variation 2122635 (VCV002122635.4), dbSNP rs150142859, ClinGen allele CA400353506.
Genomic context (GRCh38, chr17:58,709,897, plus strand): 5'-ATATTATCTCTTCTGTATTTAGGTTCGACTAGTGATAGTGGATGGTATTGCTTTTCCATT[T>G]CGTCATGACCTAGATGACCTGTCTCTTCGTACTCGGTTATTAAATGGCCTAGCCCAGCAA-3'
Protein context (NP_478123.1, residues 238-258): LVIVDGIAFP[Phe248Leu]RHDLDDLSLR

ClinVar aggregate classification (germline): Uncertain significance (1 of 4 stars; one submission).

Conditions:
Fanconi anemia complementation group O. Also called: RAD51C-Related Fanconi Anemia. Identifiers: Orphanet 84, MedGen C3150653, MONDO:0013248, OMIM 613390.

Submission:

Labcorp Genetics (formerly Invitae), Labcorp
Classification: Uncertain significance for Fanconi anemia complementation group O. Last evaluated: 2022-04-08. Review status: criteria provided, single submitter. Criteria: Invitae Variant Classification Sherloc (09022015). Collection method: clinical testing. Allele origin: germline.
Comment: Algorithms developed to predict the effect of missense changes on protein structure and function are either unavailable or do not agree on the potential impact of this missense change (SIFT: "Tolerated"; PolyPhen-2: "Possibly Damaging"; Align-GVGD: "Class C0"). This sequence change replaces phenylalanine, which is neutral and non-polar, with leucine, which is neutral and non-polar, at codon 248 of the RAD51C protein (p.Phe248Leu). This variant is not present in population databases (gnomAD no frequency). This variant has not been reported in the literature in individuals affected with RAD51C-related conditions. In summary, the available evidence is currently insufficient to determine the role of this variant in disease. Therefore, it has been classified as a Variant of Uncertain Significance.